The following is an entry in ClinVar:

NC_000023.10:g.(?_32429849)_(32430346_?)dup

Gene: DMD (dystrophin; minus strand). Cytogenetic location: Xp21.1.
Variant type: Duplication.
Identifiers: ClinVar variation 455833 (VCV000455833.2).

ClinVar aggregate classification (germline): Uncertain significance (1 of 4 stars; one submission).

Conditions:
Duchenne muscular dystrophy (DMD). Also called: MUSCULAR DYSTROPHY, PSEUDOHYPERTROPHIC PROGRESSIVE, DUCHENNE TYPE; Duchenne Muscular Dystrophy (DMD). Identifiers: Orphanet 98896, MedGen C0013264, MONDO:0010679, OMIM 310200.

Submission:

Labcorp Genetics (formerly Invitae), Labcorp
Classification: Uncertain significance for Duchenne muscular dystrophy. Last evaluated: 2022-07-26. Review status: criteria provided, single submitter. Criteria: Invitae Variant Classification Sherloc (09022015). Collection method: clinical testing. Allele origin: germline.
Comment: This variant results in a copy number gain of the genomic region encompassing exon(s) 30 of the DMD gene. While the exact position of this variant cannot be determined from the data, sub-genic copy number gains are generally in tandem (PMID: 25640679). This variant is predicted to be in-frame, and likely preserves the integrity of the reading frame. This variant has not been reported in the literature in individuals affected with DMD-related conditions. Experimental studies and prediction algorithms are not available or were not evaluated, and the functional significance of this variant is currently unknown. In summary, the available evidence is currently insufficient to determine the role of this variant in disease. Therefore, it has been classified as a Variant of Uncertain Significance.

Literature cited by the submitters: PubMed 25640679.